The following is an entry in ClinVar:

NM_033068.3(ACP4):c.845T>C (p.Met282Thr)

Gene: ACP4 (acid phosphatase 4; plus strand). Cytogenetic location: 19q13.33.
Variant type: single nucleotide variant.
Coding change: c.845T>C on transcript NM_033068.3 (MANE Select); coding-DNA position 845, T replaced by C.
Protein change: p.Met282Thr; replaces methionine 282 with threonine.
Molecular consequence: missense variant.
Genome position (GRCh38, 1-based): chr19:50,793,954, T>C. VCF-style: chr19-50793954-T-C. GRCh37 (hg19) VCF-style: chr19-51297211-T-C.
Other names: short protein forms M282T.
Identifiers: ClinVar variation 4687882 (VCV004687882.1).
Genomic context (GRCh38, chr19:50,793,954, plus strand): 5'-TGCTGAATGCTATCCTTGCAAACTTCTCCCGGGTCCAGCGCCTGGGGCTGCCCCTCAAGA[T>C]GGTCATGTACTCAGCTGTGAGTCCTTGGGAAGCAGTGCCACATGGCACTGAGGCACAGGG-3'
Protein context (NP_149059.1, residues 272-292): RVQRLGLPLK[Met282Thr]VMYSAHDSTL

ClinVar aggregate classification (germline): Pathogenic (1 of 4 stars; one submission).

Conditions:
Amelogenesis imperfecta, type 1J (AI1J). Also called: Amelogenesis imperfecta, type IJ. Identifiers: MedGen C4310630, MONDO:0015008, OMIM 617297.

gnomAD v4.1: 1 of 1,614,050 alleles (0.000062%); highest among the groups gnomAD compares: African/African-American, 0.0013%; no homozygotes.

Submission:

Leeds Amelogenesis Imperfecta Research Group, University of Leeds
Classification: Pathogenic for Amelogenesis imperfecta, type 1J. Last evaluated: 2026-01-22. Review status: criteria provided, single submitter. Criteria: ACMG Guidelines, 2015. Collection method: research. Allele origin: biparental. Inheritance: Autosomal recessive inheritance. Affected: yes. Observed: 1 homozygote.
Comment: The NM_033068.3 c.845T>C is a missense variant in ACP4 predicted to result in p.(Met282Thr). Variants in ACP4 have been previously identified in individuals with amelogenesis imperfecta and published as the cause of disease, with this variant having been reported by with this variant and the same family having been reported by Hany et al. 2023 PMID:40741335. This variant has been identified in 1 family of Venezuelan heritage in this study with hypoplastic amelogenesis imperfecta (PP4). No variant segregation was performed due to lack of DNA from family members. This variant is reported in gnomAD with an allele frequency of 0.0000006196 (PM2). CADD (v1.7) analysis showed this variant to have a score of 26.7 (20 indicates that the variant is in the top 1% of most deleterious variants of the genome, 30 indicates that it is in the top 0.1%). Aggregated score on Franklin shows this variant’s score to be Pathogenic supporting PP3 In summary, this variant meets criteria to be classified as pathogenic for amelogenesis imperfecta based on the ACMG/AMP criteria applied, as specified: PP4, PM3, PM2.

Literature cited by the submitters: PubMed 40741335.